The following is an entry in ClinVar:

ClinVar aggregate classification (germline): Pathogenic (1 of 4 stars; one submission).

Conditions:
Congenital hyperammonemia, type I. Also called: CPS I DEFICIENCY; Carbamoyl phosphate synthetase 1 deficiency; Hyperammonemia due to carbamoyl phosphate synthetase 1 deficiency; CPS 1 deficiency; Carbamyl phosphate synthetase (CPS) deficiency; Carbamoyl phosphate synthetase I deficiency disease. Identifiers: Orphanet 147, MedGen C4082171, MONDO:0009376, OMIM 237300.

Submission:

Myriad Genetics, Inc.
Classification: Pathogenic for Congenital hyperammonemia, type I. Last evaluated: 2024-05-03. Review status: criteria provided, single submitter. Criteria: Myriad Autosomal Dominant, Autosomal Recessive and X-Linked Classification Criteria (2023). Collection method: clinical testing. Allele origin: unknown.
Comment: NM_001875.4(CPS1):c.3933dupC(M1312Hfs*11) is expected to be pathogenic in the context of carbamoylphosphate synthetase I deficiency. This variant is predicted to lead to an abnormal or absent protein product due to the creation of a premature termination codon in CPS1, a gene where loss-of-function variants are known to be pathogenic. Please note: this variant was assessed in the context of healthy population screening.

NM_001875.5(CPS1):c.3933dup (p.Met1312fs)

Gene: CPS1 (carbamoyl-phosphate synthase 1; plus strand). Cytogenetic location: 2q34.
Variant type: Duplication.
Coding change: c.3933dup on transcript NM_001875.5 (MANE Select); coding-DNA position 3933, one base duplicated (C; older notation c.3933dupC).
Protein change: p.Met1312fs; shifts the reading frame from methionine 1312.
Molecular consequence: frameshift variant. On other transcripts: non-coding transcript variant (2).
Genome position (GRCh38, 1-based): chr2:210,663,128, C duplicated; the last of 3 consecutive C bases (chr2:210,663,126-210,663,128); duplicating any one gives the same sequence. VCF-style (leftmost placement, unchanged base first): chr2-210663125-T-TC. GRCh37 (hg19) VCF-style: chr2-211527849-T-TC.
Other names: c.3933dup, p.Met1312fs (NM_001122633.3, NM_001369257.1); c.3966dup, p.Met1323fs (NM_001369256.1); short protein forms M1312fs, M1323fs.
Identifiers: ClinVar variation 5012992 (VCV005012992.1).
Genomic context (GRCh38, chr2:210,663,125, plus strand): 5'-TTCATTTTCTACTTTTCCCTCACATAATTTTTCTCCCTGTTTTTTTTTTTTCCAACAGGC[T>TC]CCCATGTTTTCCTGGCCCCGGTTGAGGGATGCTGACCCCATTCTGAGATGTGAGATGGCT-3'